The following is an entry in ClinVar:

ClinVar aggregate classification (germline): Pathogenic/Likely pathogenic. Review status: criteria provided, multiple submitters, no conflicts (2 of 4 stars). 9 submissions from 9 submitters: Pathogenic (5); Likely pathogenic (1). 3 of the submissions do not count toward it. Last evaluated 2025-12-30.

Conditions:
Inborn genetic diseases. Identifiers: MedGen C0950123, MeSH D030342.
H1-4-related disorders.
Rahman syndrome. Also called: HIST1H1E Syndrome. Identifiers: Orphanet 642763, MedGen C4479637, MONDO:0044323, OMIM 617537.

Submissions (9):

3billion
Classification: Pathogenic for Rahman syndrome. Last evaluated: 2025-12-30. Review status: criteria provided, single submitter. Criteria: ACMG Guidelines, 2015. Collection method: clinical testing. Allele origin: germline. Affected: yes.
Comment: The variant is not observed in the gnomAD v4.1.0 dataset. Predicted Consequence/Location: Frameshift: predicted to result in a loss or disruption of normal protein function through protein truncation. The predicted truncated protein may be shortened by more than 10%. The variant has been previously reported as de novo in a similarly affected individual (PMID: 31447100). The variant has been observed in multiple (>3) similarly affected unrelated individuals (PMID: 28475857, 31447100). The variant has been previously reported as assumed (i.e. paternity and maternity not confirmed) de novo in at least one similarly affected unrelated individual (3billion dataset). The variant has been reported at least twice as pathogenic with clinical assertions and evidence for the classification (ClinVar ID: VCV000428605 /PMID: 28475857 /3billion dataset). Therefore, this variant is classified as Pathogenic according to the recommendation of ACMG/AMP guideline.

Blueprint Genetics
Classification: Pathogenic for H1-4-related disorders. Last evaluated: 2024-09-11. Review status: criteria provided, single submitter. Criteria: ACMG Guidelines, 2015. Collection method: clinical testing. Allele origin: germline. Affected: yes. Observed: 1 variant allele.

GeneDx
Classification: Pathogenic. Last evaluated: 2022-03-02. Review status: criteria provided, single submitter. Criteria: GeneDx Variant Classification Process June 2021. Collection method: clinical testing. Allele origin: germline. Affected: yes.
Comment: Frameshift variant predicted to result in protein truncation, as the last 76 amino acids are replaced with 51 different amino acids, and other loss-of-function variants have been reported downstream in the Human Gene Mutation Database (HGMD); Not observed in large population cohorts (gnomAD); This variant is associated with the following publications: (PMID: 28475857, 23945933, 25081361, 31400068, 31447100, 31910894, 32901917, 31785789)

Equipe Genetique des Anomalies du Developpement, Université de Bourgogne
Classification: Pathogenic for Rahman syndrome. Last evaluated: 2019-05-06. Review status: criteria provided, single submitter. Criteria: ACMG Guidelines, 2015. Collection method: clinical testing. Allele origin: de novo. Affected: yes.

Tartaglia Lab, Genetics and Rare Diseases Research Division, Bambino Gesu' Children's Hospital
Classification: Pathogenic for Rahman syndrome. Last evaluated: 2019-05-01. Review status: criteria provided, single submitter. Criteria: ACMG Guidelines, 2015. Collection method: research. Allele origin: unknown. Affected: yes.

Ambry Genetics
Classification: Likely pathogenic for Inborn genetic diseases. Last evaluated: 2017-08-07. Review status: criteria provided, single submitter. Criteria: Ambry exome assertion method (8-5-2015). Collection method: clinical testing. Allele origin: germline. Affected: yes. Observed: 2 variant alleles.

Solve-RD Consortium
Classification: Likely pathogenic for Rahman syndrome. Last evaluated: 2022-06-01. Review status: no assertion criteria provided. Collection method: provider interpretation. Allele origin: de novo. Affected: yes. Not counted in ClinVar's aggregate classification.
Comment: Variant confirmed as disease-causing by referring clinical team

Variant identified during reanalysis of unsolved cases by the Solve-RD project. The Solve-RD project has received funding from the European Union’s Horizon 2020 research and innovation programme under grant agreement No 779257.

OMIM
Classification: Pathogenic for RAHMAN SYNDROME. Last evaluated: 2017-06-27. Review status: no assertion criteria provided. Collection method: literature only. Allele origin: germline. Not counted in ClinVar's aggregate classification.

GeneReviews
No classification provided. Condition: Rahman syndrome. Review status: no classification provided. Collection method: literature only. Allele origin: de novo. Not counted in ClinVar's aggregate classification.

Literature cited by the submitters: PubMed 28475857 (cited by 3 submitters); PubMed 31447100 (cited by 3billion); PubMed 23945933 (cited by Ambry Genetics); PubMed 25081361 (cited by Ambry Genetics); PubMed 39825153 (cited by Solve-RD Consortium); NCBI Bookshelf NBK564966 (cited by GeneReviews); PubMed 33270410 (cited by GeneReviews).

NM_005321.3(H1-4):c.430dup (p.Ala144fs)

Gene: H1-4 (H1.4 linker histone, cluster member; plus strand). Cytogenetic location: 6p22.2.
Variant type: Duplication.
Coding change: c.430dup on transcript NM_005321.3 (MANE Select); coding-DNA position 430, one base duplicated (G; older notation c.430dupG).
Protein change: p.Ala144fs; shifts the reading frame from alanine 144.
Molecular consequence: frameshift variant.
Genome position (GRCh38, 1-based): chr6:26,156,820, G duplicated; the last of 5 consecutive G bases (chr6:26,156,816-26,156,820); duplicating any one gives the same sequence. VCF-style (leftmost placement, unchanged base first): chr6-26156815-C-CG. GRCh37 (hg19) VCF-style: chr6-26157043-C-CG.
Other names: c.425_426insG (NM_005321.2); c.430dupG (NM_005321.2, NM_005321.3); short protein forms A144fs.
Identifiers: ClinVar variation 428605 (VCV000428605.21), dbSNP rs1131690805, ClinGen allele CA645369389.